The following is an entry in ClinVar:

ClinVar aggregate classification (germline): Uncertain significance. Review status: criteria provided, multiple submitters, no conflicts (2 of 4 stars). 2 submissions from 2 submitters: Uncertain significance (2). Last evaluated 2026-10-08.

Allele frequency attached by ClinVar (database versions not stated): gnomAD 0.00001; ESP Exome Variant Server 0.00008; TOPMed 0.00005.

Submissions (2):

GeneDx
Classification: Uncertain significance. Last evaluated: 2026-10-08. Review status: criteria provided, single submitter. Criteria: GeneDx Variant Classification Process June 2021. Collection method: clinical testing. Allele origin: germline.
Comment: In silico analysis suggests that this missense variant does not alter protein structure/function; This variant is associated with the following publications: (PMID: 32235586)

Women's Health and Genetics/Laboratory Corporation of America, LabCorp
Classification: Uncertain significance. Last evaluated: 2023-08-25. Review status: criteria provided, single submitter. Criteria: LabCorp Variant Classification Summary - May 2015. Collection method: clinical testing. Allele origin: germline.
Comment: Variant summary: TMPRSS3 c.1253C>T (p.Ala418Val) results in a non-conservative amino acid change in the encoded protein sequence. Four of five in-silico tools predict a benign effect of the variant on protein function. The variant allele was found at a frequency of 8.7e-05 in 251446 control chromosomes (gnomAD). c.1253C>T has been reported in the literature in an individual affected with nonsyndromic hearing loss in heterozygous state (example: Wong_2020). This report does not provide unequivocal conclusions about association of the variant with Deafness, Autosomal Recessive 8. At least one publication reports experimental evidence evaluating an impact on protein function. Utilizing a secretory genetic assay for site-specific proteolysis (sGASP) and Xenopus oocyte expression system authors demonstrated A418V leads to reduced proteolytic activity (Wong_2020). The following publication has been ascertained in the context of this evaluation (PMID: 32235586). No submitters have cited clinical-significance assessments for this variant to ClinVar after 2014. Based on the evidence outlined above, the variant was classified as VUS-possibly pathogenic.

Literature cited by the submitters: PubMed 32235586 (cited by Women's Health and Genetics/Laboratory Corporation of America, LabCorp).

NM_001256317.3(TMPRSS3):c.1250C>T (p.Ala417Val)

Gene: TMPRSS3 (transmembrane serine protease 3; minus strand). Cytogenetic location: 21q22.3.
Variant type: single nucleotide variant.
Coding change: c.1250C>T on transcript NM_001256317.3 (MANE Select); coding-DNA position 1250, C replaced by T.
Protein change: p.Ala417Val; replaces alanine 417 with valine.
Molecular consequence: missense variant.
Genome position (GRCh38, 1-based): chr21:42,375,810, G>A on the plus strand (C>T on the coding strand, the complement: TMPRSS3 is on the minus strand). VCF-style: chr21-42375810-G-A. GRCh37 (hg19) VCF-style: chr21-43795919-G-A.
Other names: c.1253C>T, p.Ala418Val (NM_024022.4); c.872C>T, p.Ala291Val (NM_032404.3); short protein forms A291V, A417V, A418V.
Identifiers: ClinVar variation 2581386 (VCV002581386.4), dbSNP rs377531325, ClinGen allele CA10042268.